The following is an entry in ClinVar:

ClinVar aggregate classification (germline): Uncertain significance (1 of 4 stars; one submission).

Conditions:
POLD1-related polyposis and colorectal cancer syndrome (CRCS10). Also called: Colorectal cancer 10; COLORECTAL CANCER, SUSCEPTIBILITY TO, ON CHROMOSOME 19q; Colorectal cancer, susceptibility to, 10. Identifiers: Orphanet 220460, MedGen C2675481, MONDO:0012953, OMIM 612591.

gnomAD v4.1: 1 of 1,595,146 alleles (0.000063%); highest among the groups gnomAD compares: Non-Finnish European, 0.000086%; no homozygotes.

Submission:

Labcorp Genetics (formerly Invitae), Labcorp
Classification: Uncertain significance for POLD1-related polyposis and colorectal cancer syndrome. Last evaluated: 2022-06-19. Review status: criteria provided, single submitter. Criteria: Invitae Variant Classification Sherloc (09022015). Collection method: clinical testing. Allele origin: germline.
Comment: Algorithms developed to predict the effect of missense changes on protein structure and function are either unavailable or do not agree on the potential impact of this missense change (SIFT: "Deleterious"; PolyPhen-2: "Probably Damaging"; Align-GVGD: "Class C0"). In summary, the available evidence is currently insufficient to determine the role of this variant in disease. Therefore, it has been classified as a Variant of Uncertain Significance. This variant has not been reported in the literature in individuals affected with POLD1-related conditions. This variant is not present in population databases (gnomAD no frequency). This sequence change replaces isoleucine, which is neutral and non-polar, with asparagine, which is neutral and polar, at codon 317 of the POLD1 protein (p.Ile317Asn).

NM_002691.4(POLD1):c.950T>A (p.Ile317Asn)

Gene: POLD1 (DNA polymerase delta 1, catalytic subunit; plus strand). Cytogenetic location: 19q13.33.
Variant type: single nucleotide variant.
Coding change: c.950T>A on transcript NM_002691.4 (MANE Select); coding-DNA position 950, T replaced by A.
Protein change: p.Ile317Asn; replaces isoleucine 317 with asparagine.
Molecular consequence: missense variant. On other transcripts: non-coding transcript variant (1).
Genome position (GRCh38, 1-based): chr19:50,402,721, T>A. VCF-style: chr19-50402721-T-A. GRCh37 (hg19) VCF-style: chr19-50905978-T-A.
Other names: c.950T>A, p.Ile317Asn (NM_001256849.1, NM_001308632.1); short protein forms I317N.
Identifiers: ClinVar variation 2008539 (VCV002008539.4), dbSNP rs1601202863, ClinGen allele CA406977365.
Genomic context (GRCh38, chr19:50,402,721, plus strand): 5'-GTCACCCACCGGAAGGGCCATGGCAGCGCATTGCGCCCTTGCGCGTGCTCAGCTTCGATA[T>A]CGAGTGCGCCGGCCGCAAAGGTCTGTCCCCGGGCCCGGGCTCCTGCCCGCCTCATTGATG-3'
Protein context (NP_002682.2, residues 307-327): IAPLRVLSFD[Ile317Asn]ECAGRKGIFP